The following is an entry in ClinVar:

ClinVar aggregate classification (germline): Uncertain significance. Review status: criteria provided, multiple submitters, no conflicts (2 of 4 stars). 2 submissions from 2 submitters: Uncertain significance (2). Last evaluated 2025-07-10.

Allele frequency attached by ClinVar (database versions not stated): gnomAD exomes below 0.00001; gnomAD 0.00001; TOPMed 0.00001.
gnomAD v4.1: 3 of 1,588,510 alleles (0.00019%); highest among the groups gnomAD compares: Admixed American, 0.0036%; no homozygotes.

Submissions (2):

Labcorp Genetics (formerly Invitae), Labcorp
Classification: Uncertain significance. Last evaluated: 2025-07-10. Review status: criteria provided, single submitter. Criteria: Invitae Variant Classification Sherloc (09022015). Collection method: clinical testing. Allele origin: germline.
Comment: This sequence change replaces proline, which is neutral and non-polar, with leucine, which is neutral and non-polar, at codon 630 of the KIAA1549 protein (p.Pro630Leu). This variant is not present in population databases (gnomAD no frequency). This variant has not been reported in the literature in individuals affected with KIAA1549-related conditions. ClinVar contains an entry for this variant (Variation ID: 1466275). An algorithm developed to predict the effect of missense changes on protein structure and function outputs the following: PolyPhen-2: "Benign". The leucine amino acid residue is found in multiple mammalian species, which suggests that this missense change does not adversely affect protein function. In summary, the available evidence is currently insufficient to determine the role of this variant in disease. Therefore, it has been classified as a Variant of Uncertain Significance.

Blueprint Genetics
Classification: Uncertain significance. Last evaluated: 2019-05-14. Review status: criteria provided, single submitter. Criteria: ACMG Guidelines, 2015. Collection method: clinical testing. Allele origin: germline.

NM_001164665.2(KIAA1549):c.1889C>T (p.Pro630Leu)

Gene: KIAA1549 (KIAA1549; minus strand). Cytogenetic location: 7q34.
Variant type: single nucleotide variant.
Coding change: c.1889C>T on transcript NM_001164665.2 (MANE Select); coding-DNA position 1889, C replaced by T.
Protein change: p.Pro630Leu; replaces proline 630 with leucine.
Molecular consequence: missense variant.
Genome position (GRCh38, 1-based): chr7:138,917,737, G>A on the plus strand (C>T on the coding strand, the complement: KIAA1549 is on the minus strand). VCF-style: chr7-138917737-G-A. GRCh37 (hg19) VCF-style: chr7-138602483-G-A.
Other names: c.1889C>T, p.Pro630Leu (NM_020910.3); short protein forms P630L.
Identifiers: ClinVar variation 1466275 (VCV001466275.7), dbSNP rs758892072, ClinGen allele CA167163635.
Genomic context (GRCh38, chr7:138,917,737, plus strand): 5'-AGAGACAGAGACGCAGGTGCTTCCGAAGGCGAAGAGATGGAGCCGCTGAGTTCCAGCGGG[G>A]GTGTTGAGAAAAAGCTGGATGCAAAATCCAAAGCACCTCTGGGTTTATGCTCAGAAAAAC-3'
Protein context (NP_001158137.1, residues 620-640): LDFASSFFST[Pro630Leu]PLELSGSISS